The following is an entry in ClinVar:

NM_007294.4(BRCA1):c.3599A>C (p.Gln1200Pro)

Genes: BRCA1 (BRCA1 DNA repair associated; minus strand), LOC126862571 (BRD4-independent group 4 enhancer GRCh37_chr17:41243136-41244335; plus strand). Cytogenetic location: 17q21.31.
Variant type: single nucleotide variant.
Coding change: c.3599A>C on transcript NM_007294.4 (MANE Select); coding-DNA position 3599, A replaced by C.
Protein change: p.Gln1200Pro; replaces glutamine 1200 with proline.
Molecular consequence: missense variant. On other transcripts: intron variant (135).
Genome position (GRCh38, 1-based): chr17:43,091,932, T>G on the plus strand (A>C on the coding strand, the complement: BRCA1 is on the minus strand). VCF-style: chr17-43091932-T-G. GRCh37 (hg19) VCF-style: chr17-41243949-T-G.
Other names: c.3218A>C, p.Gln1073Pro (NM_001407960.1, NM_001407963.1, NM_001407959.1); c.3458A>C, p.Gln1153Pro (NM_001407750.1, NM_001407751.1, NM_001407752.1 and 29 more transcripts); c.3215A>C, p.Gln1072Pro (NM_001407962.1); c.3455A>C, p.Gln1152Pro (NM_001407964.1, NM_001407838.1, NM_001407843.1 and 20 more transcripts); c.3095A>C, p.Gln1032Pro (NM_001407965.1); c.2711A>C, p.Gln904Pro (NM_001407966.1, NM_001407967.1); c.995A>C, p.Gln332Pro (NM_001407968.1, NM_001407969.1); c.3389A>C, p.Gln1130Pro (NM_001407902.1, NM_001407904.1, NM_001407906.1 and 13 more transcripts); and 41 more; short protein forms Q1073P, Q1089P, Q1129P, Q1199P, Q1200P, Q1112P, Q1173P, Q904P.
Identifiers: ClinVar variation 2839251 (VCV002839251.3), dbSNP rs2154300137, ClinGen allele CA10594767.

ClinVar aggregate classification (germline): Uncertain significance (1 of 4 stars; one submission).

Conditions:
Hereditary breast ovarian cancer syndrome. Also called: Hereditary breast and ovarian cancer syndrome (HBOC); Breast and ovarian cancer; BRCA1- and BRCA2-Associated Hereditary Breast and Ovarian Cancer; Hereditary breast and ovarian cancer syndrome; Hereditary breast and ovarian cancer; Hereditary breast and/or ovarian cancer syndrome. Identifiers: Orphanet 145, MedGen C0677776, MeSH D061325, MONDO:0003582. Disease mechanism: loss of function.

Submission:

Labcorp Genetics (formerly Invitae), Labcorp
Classification: Uncertain significance for Hereditary breast ovarian cancer syndrome. Last evaluated: 2023-02-21. Review status: criteria provided, single submitter. Criteria: Invitae Variant Classification Sherloc (09022015). Collection method: clinical testing. Allele origin: germline.
Comment: Advanced modeling of protein sequence and biophysical properties (such as structural, functional, and spatial information, amino acid conservation, physicochemical variation, residue mobility, and thermodynamic stability) performed at Invitae indicates that this missense variant is not expected to disrupt BRCA1 protein function. In summary, the available evidence is currently insufficient to determine the role of this variant in disease. Therefore, it has been classified as a Variant of Uncertain Significance. This sequence change replaces glutamine, which is neutral and polar, with proline, which is neutral and non-polar, at codon 1200 of the BRCA1 protein (p.Gln1200Pro). This variant is not present in population databases (gnomAD no frequency). This variant has not been reported in the literature in individuals affected with BRCA1-related conditions.